The following is an entry in ClinVar:

NM_172362.3(KCNH1):c.2893C>G (p.Gln965Glu)

Gene: KCNH1 (potassium voltage-gated channel subfamily H member 1; minus strand). Cytogenetic location: 1q32.2.
Variant type: single nucleotide variant.
Coding change: c.2893C>G on transcript NM_172362.3 (MANE Select); coding-DNA position 2893, C replaced by G.
Protein change: p.Gln965Glu; replaces glutamine 965 with glutamic acid.
Molecular consequence: missense variant.
Genome position (GRCh38, 1-based): chr1:210,683,358, G>C on the plus strand (C>G on the coding strand, the complement: KCNH1 is on the minus strand). VCF-style: chr1-210683358-G-C. GRCh37 (hg19) VCF-style: chr1-210856700-G-C.
Other names: c.2812C>G, p.Gln938Glu (NM_002238.4); short protein forms Q938E, Q965E.
Identifiers: ClinVar variation 4800015 (VCV004800015.1).

ClinVar aggregate classification (germline): Uncertain significance (1 of 4 stars; one submission).

Submission:

Labcorp Genetics (formerly Invitae), Labcorp
Classification: Uncertain significance. Last evaluated: 2025-10-15. Review status: criteria provided, single submitter. Criteria: Invitae Variant Classification Sherloc (09022015). Collection method: clinical testing. Allele origin: germline.
Comment: This sequence change replaces glutamine, which is neutral and polar, with glutamic acid, which is acidic and polar, at codon 965 of the KCNH1 protein (p.Gln965Glu). This variant is not present in population databases (gnomAD no frequency). This variant has not been reported in the literature in individuals affected with KCNH1-related conditions. Invitae Evidence Modeling of protein sequence and biophysical properties (such as structural, functional, and spatial information, amino acid conservation, physicochemical variation, residue mobility, and thermodynamic stability) has been performed for this missense variant. However, the output from this modeling did not meet the statistical confidence thresholds required to predict the impact of this variant on KCNH1 protein function. In summary, the available evidence is currently insufficient to determine the role of this variant in disease. Therefore, it has been classified as a Variant of Uncertain Significance.